The following is an entry in ClinVar:

ClinVar aggregate classification (germline): Uncertain significance. Review status: criteria provided, multiple submitters, no conflicts (2 of 4 stars). 5 submissions from 5 submitters: Uncertain significance (5). Last evaluated 2025-06-18.

Conditions:
Lynch syndrome. Identifiers: Orphanet 144, MedGen C4552100, MONDO:0005835. Disease mechanism: loss of function.
Hereditary nonpolyposis colorectal neoplasms. Identifiers: MedGen C0009405, MeSH D003123.
Hereditary cancer-predisposing syndrome. Also called: Tumor predisposition; Hereditary Cancer Syndrome; Hereditary neoplastic syndrome; Neoplastic Syndromes, Hereditary. Identifiers: Orphanet 140162, MedGen C0027672, MeSH D009386, MONDO:0015356.

Allele frequency attached by ClinVar (database versions not stated): gnomAD exomes below 0.00001.

Submissions (5):

Labcorp Genetics (formerly Invitae), Labcorp
Classification: Uncertain significance for Hereditary nonpolyposis colorectal neoplasms. Last evaluated: 2025-06-18. Review status: criteria provided, single submitter. Criteria: Invitae Variant Classification Sherloc (09022015). Collection method: clinical testing. Allele origin: germline.
Comment: This sequence change replaces proline, which is neutral and non-polar, with leucine, which is neutral and non-polar, at codon 85 of the MSH6 protein (p.Pro85Leu). This variant is not present in population databases (gnomAD no frequency). This variant has not been reported in the literature in individuals affected with MSH6-related conditions. ClinVar contains an entry for this variant (Variation ID: 410529). Invitae Evidence Modeling of protein sequence and biophysical properties (such as structural, functional, and spatial information, amino acid conservation, physicochemical variation, residue mobility, and thermodynamic stability) indicates that this missense variant is not expected to disrupt MSH6 protein function with a negative predictive value of 95%. In summary, the available evidence is currently insufficient to determine the role of this variant in disease. Therefore, it has been classified as a Variant of Uncertain Significance.

Ambry Genetics
Classification: Uncertain significance for Hereditary cancer-predisposing syndrome. Last evaluated: 2023-09-05. Review status: criteria provided, single submitter. Criteria: Ambry Variant Classification Scheme 2023. Collection method: clinical testing. Allele origin: germline.
Comment: The p.P85L variant (also known as c.254C>T), located in coding exon 1 of the MSH6 gene, results from a C to T substitution at nucleotide position 254. The proline at codon 85 is replaced by leucine, an amino acid with similar properties. This amino acid position is not well conserved in available vertebrate species. In addition, this alteration is predicted to be tolerated by in silico analysis. Since supporting evidence is limited at this time, the clinical significance of this alteration remains unclear.

All of Us Research Program, National Institutes of Health
Classification: Uncertain significance for Lynch syndrome. Last evaluated: 2023-06-28. Review status: criteria provided, single submitter. Criteria: ACMG Guidelines, 2015. Collection method: clinical testing. Allele origin: germline. Inheritance: Autosomal dominant inheritance. Observed: 2 variant alleles, 2 heterozygotes.
Comment: This missense variant replaces proline with leucine at codon 85 of the MSH6 protein. Computational prediction suggests that this variant may not impact protein structure and function (internally defined REVEL score threshold <= 0.5, PMID: 27666373). To our knowledge, functional studies have not been reported for this variant. This variant has not been reported in individuals affected with MSH6-related disorders in the literature. This variant has not been identified in the general population by the Genome Aggregation Database (gnomAD). The available evidence is insufficient to determine the role of this variant in disease conclusively. Therefore, this variant is classified as a Variant of Uncertain Significance.

This study involves interpretation of variants in research participants for the purpose of population health screening. Participant phenotype was not available at the time of variant classification. Additional details can be found in publication PMID: 35346344, PMCID: PMC8962531

Color Diagnostics, LLC DBA Color Health
Classification: Uncertain significance for Hereditary cancer-predisposing syndrome. Last evaluated: 2023-02-01. Review status: criteria provided, single submitter. Criteria: ACMG Guidelines, 2015. Collection method: clinical testing. Allele origin: germline.
Comment: This missense variant replaces proline with leucine at codon 85 of the MSH6 protein. Computational prediction suggests that this variant may not impact protein structure and function (internally defined REVEL score threshold <= 0.5, PMID: 27666373). To our knowledge, functional studies have not been reported for this variant. This variant has not been reported in individuals affected with MSH6-related disorders in the literature. This variant has not been identified in the general population by the Genome Aggregation Database (gnomAD). The available evidence is insufficient to determine the role of this variant in disease conclusively. Therefore, this variant is classified as a Variant of Uncertain Significance.

GeneDx
Classification: Uncertain significance. Last evaluated: 2020-06-30. Review status: criteria provided, single submitter. Criteria: GeneDx Variant Classification Process June 2021. Collection method: clinical testing. Allele origin: germline. Affected: yes.
Comment: Not observed in large population cohorts (Lek 2016); In silico analysis supports that this missense variant does not alter protein structure/function; Has not been previously published as pathogenic or benign to our knowledge

NM_000179.3(MSH6):c.254C>T (p.Pro85Leu)

Genes: MSH6 (mutS homolog 6; plus strand), LOC129933707 (ATAC-STARR-seq lymphoblastoid silent region 11468; plus strand). Cytogenetic location: 2p16.3.
Variant type: single nucleotide variant.
Coding change: c.254C>T on transcript NM_000179.3 (MANE Select); coding-DNA position 254, C replaced by T.
Protein change: p.Pro85Leu; replaces proline 85 with leucine.
Molecular consequence: missense variant. On other transcripts: 5 prime UTR variant (1), intron variant (1).
Genome position (GRCh38, 1-based): chr2:47,783,487, C>T. VCF-style: chr2-47783487-C-T. GRCh37 (hg19) VCF-style: chr2-48010626-C-T.
Other names: c.-483C>T (NM_001281493.2); c.237+17C>T (NM_001281492.2); short protein forms P85L.
Identifiers: ClinVar variation 410529 (VCV000410529.20), dbSNP rs1060502945, ClinGen allele CA16610837.
Genomic context (GRCh38, chr2:47,783,487, plus strand): 5'-CACCGCCCAAGGCGAAGAACCTCAACGGAGGGCTGCGGAGATCGGTAGCGCCTGCTGCCC[C>T]CACCAGGTAGCGGGGTGGGGGTGGGGTCGAAGGCGGGGGCATAGCGGCGGGGCGCTTGGA-3'
Protein context (NP_000170.1, residues 75-95): GLRRSVAPAA[Pro85Leu]TSCDFSPGDL